The following is an entry in ClinVar:

NM_006766.5(KAT6A):c.5073ACCCCC[3] (p.Pro1696_Gln1697insProPro)

Gene: KAT6A (lysine acetyltransferase 6A; minus strand). Cytogenetic location: 8p11.21.
Variant type: Microsatellite.
Coding change: c.5073ACCCCC[3] on transcript NM_006766.5 (MANE Select); three copies in a row of the 6-base unit ACCCCC starting at c.5073; the reference has two copies in a row; one copy, 6 bases duplicated.
Protein change: p.Pro1696_Gln1697insProPro.
Molecular consequence: inframe insertion.
Genome position (GRCh38, 1-based): chr8:41,933,136-41,933,141, GGGGGT duplicated on the plus strand (ACCCCC on the coding strand, the reverse complement: KAT6A is on the minus strand); duplicating any 6 consecutive bases within chr8:41,933,136-41,933,149 gives the same sequence; the position shown is the placement nearest the transcript's 3' end. VCF-style (leftmost placement, unchanged base first): chr8-41933135-A-AGGGGGT. GRCh37 (hg19) VCF-style: chr8-41790653-A-AGGGGGT.
Identifiers: ClinVar variation 4697531 (VCV004697531.1).

ClinVar aggregate classification (germline): Uncertain significance (1 of 4 stars; one submission).

Submission:

Labcorp Genetics (formerly Invitae), Labcorp
Classification: Uncertain significance. Last evaluated: 2025-12-09. Review status: criteria provided, single submitter. Criteria: Invitae Variant Classification Sherloc (09022015). Collection method: clinical testing. Allele origin: germline.
Comment: This variant, c.5079_5084dup, results in the insertion of 2 amino acid(s) of the KAT6A protein (p.Pro1695_Pro1696dup), but otherwise preserves the integrity of the reading frame. This variant is not present in population databases (gnomAD no frequency). This variant has not been reported in the literature in individuals affected with KAT6A-related conditions. In summary, the available evidence is currently insufficient to determine the role of this variant in disease. Therefore, it has been classified as a Variant of Uncertain Significance.